The following is an entry in ClinVar:

NM_001303052.2(MYT1L):c.3080+1461C>T

Gene: MYT1L (myelin transcription factor 1 like; minus strand). Cytogenetic location: 2p25.3.
Variant type: single nucleotide variant.
Coding change: c.3080+1461C>T on transcript NM_001303052.2 (MANE Select); 1461 bases into the intron after coding-DNA position 3080, C replaced by T.
Molecular consequence: intron variant.
Genome position (GRCh38, 1-based): chr2:1,837,688, G>A on the plus strand (C>T on the coding strand, the complement: MYT1L is on the minus strand). VCF-style: chr2-1837688-G-A. GRCh37 (hg19) VCF-style: chr2-1841460-G-A.
Other names: c.3074+1461C>T (NM_015025.4, NM_001329847.2, NM_001329848.1 and 3 more transcripts); c.3080+1461C>T (NM_001329844.2, NM_001329845.1, NM_001329851.3).
Identifiers: ClinVar variation 4281096 (VCV004281096.7).

ClinVar aggregate classification (germline): Likely benign (1 of 4 stars; one submission).

gnomAD v4.1: 5 of 152,180 alleles (0.0033%); highest among the groups gnomAD compares: South Asian, 0.1%; no homozygotes.

Submission:

CeGaT Center for Human Genetics Tuebingen
Classification: Likely benign. Last evaluated: 2025-09-01. Review status: criteria provided, single submitter. Criteria: CeGaT Center For Human Genetics Tuebingen Variant Classification Criteria Version 2. Collection method: clinical testing. Allele origin: germline. Affected: yes. Observed: 2 variant alleles.
Comment: MYT1L: PP2, BS2